The following is an entry in ClinVar:

NM_001035.3(RYR2):c.404C>A (p.Thr135Asn)

Gene: RYR2 (ryanodine receptor 2; plus strand). Cytogenetic location: 1q43.
Variant type: single nucleotide variant.
Coding change: c.404C>A on transcript NM_001035.3 (MANE Select); coding-DNA position 404, C replaced by A.
Protein change: p.Thr135Asn; replaces threonine 135 with asparagine.
Molecular consequence: missense variant.
Genome position (GRCh38, 1-based): chr1:237,374,736, C>A. VCF-style: chr1-237374736-C-A. GRCh37 (hg19) VCF-style: chr1-237538036-C-A.
Other names: short protein forms T135N.
Identifiers: ClinVar variation 1713728 (VCV001713728.6), dbSNP rs2529940117, ClinGen allele CA345374376.

ClinVar aggregate classification (germline): Uncertain significance (1 of 4 stars; one submission).

Conditions:
Catecholaminergic polymorphic ventricular tachycardia 1. Also called: VENTRICULAR TACHYCARDIA, CATECHOLAMINERGIC POLYMORPHIC, 1, WITH OR WITHOUT ATRIAL DYSFUNCTION AND/OR DILATED CARDIOMYOPATHY; VENTRICULAR TACHYCARDIA, STRESS-INDUCED POLYMORPHIC 1; RYR2-Related Catecholaminergic Polymorphic Ventricular Tachycardia. Identifiers: Orphanet 3286, MedGen C1631597, MONDO:0011484, OMIM 604772.

Submission:

Labcorp Genetics (formerly Invitae), Labcorp
Classification: Uncertain significance for Catecholaminergic polymorphic ventricular tachycardia 1. Last evaluated: 2022-07-25. Review status: criteria provided, single submitter. Criteria: Invitae Variant Classification Sherloc (09022015). Collection method: clinical testing. Allele origin: germline.
Comment: This sequence change replaces threonine, which is neutral and polar, with asparagine, which is neutral and polar, at codon 135 of the RYR2 protein (p.Thr135Asn). This variant is not present in population databases (gnomAD no frequency). This variant has not been reported in the literature in individuals affected with RYR2-related conditions. Advanced modeling of protein sequence and biophysical properties (such as structural, functional, and spatial information, amino acid conservation, physicochemical variation, residue mobility, and thermodynamic stability) performed at Invitae indicates that this missense variant is expected to disrupt RYR2 protein function. In summary, the available evidence is currently insufficient to determine the role of this variant in disease. Therefore, it has been classified as a Variant of Uncertain Significance.